The following is an entry in ClinVar:

NM_015340.4(LARS2):c.332T>C (p.Ile111Thr)

Gene: LARS2 (leucyl-tRNA synthetase 2, mitochondrial; plus strand). Cytogenetic location: 3p21.31.
Variant type: single nucleotide variant.
Coding change: c.332T>C on transcript NM_015340.4 (MANE Select); coding-DNA position 332, T replaced by C.
Protein change: p.Ile111Thr; replaces isoleucine 111 with threonine.
Molecular consequence: missense variant.
Genome position (GRCh38, 1-based): chr3:45,400,342, T>C. VCF-style: chr3-45400342-T-C. GRCh37 (hg19) VCF-style: chr3-45441834-T-C.
Other names: c.332T>C, p.Ile111Thr (NM_001368263.1); short protein forms I111T.
Identifiers: ClinVar variation 3693065 (VCV003693065.2).
Genomic context (GRCh38, chr3:45,400,342, plus strand): 5'-CTTATCCTTCTGGTAAGCTGCACATGGGCCATGTGCGTGTCTACACCATCAGCGACACCA[T>C]AGCACGGTTCCAGAAGATGAGAGGGATGCAGGTAAGAACAGGTGCCTGCTGGAGCAGCCC-3'
Protein context (NP_056155.1, residues 101-121): HVRVYTISDT[Ile111Thr]ARFQKMRGMQ

ClinVar aggregate classification (germline): Uncertain significance (1 of 4 stars; one submission).

gnomAD v4.1: 7 of 1,612,958 alleles (0.00043%); highest among the groups gnomAD compares: Middle Eastern, 0.016%; no homozygotes.

Submission:

Labcorp Genetics (formerly Invitae), Labcorp
Classification: Uncertain significance. Last evaluated: 2024-04-20. Review status: criteria provided, single submitter. Criteria: Invitae Variant Classification Sherloc (09022015). Collection method: clinical testing. Allele origin: germline.
Comment: This sequence change replaces isoleucine, which is neutral and non-polar, with threonine, which is neutral and polar, at codon 111 of the LARS2 protein (p.Ile111Thr). This variant is not present in population databases (gnomAD no frequency). This variant has not been reported in the literature in individuals affected with LARS2-related conditions. Advanced modeling of protein sequence and biophysical properties (such as structural, functional, and spatial information, amino acid conservation, physicochemical variation, residue mobility, and thermodynamic stability) performed at Invitae indicates that this missense variant is not expected to disrupt LARS2 protein function with a negative predictive value of 80%. In summary, the available evidence is currently insufficient to determine the role of this variant in disease. Therefore, it has been classified as a Variant of Uncertain Significance.